The following is an entry in ClinVar:

NM_000702.4(ATP1A2):c.291G>T (p.Gly97=)

Gene: ATP1A2 (ATPase Na+/K+ transporting subunit alpha 2; plus strand). Cytogenetic location: 1q23.2.
Variant type: single nucleotide variant.
Coding change: c.291G>T on transcript NM_000702.4 (MANE Select); coding-DNA position 291, G replaced by T.
Protein change: p.Gly97=; no amino-acid change (glycine 97 retained).
Molecular consequence: synonymous variant.
Genome position (GRCh38, 1-based): chr1:160,123,326, G>T. VCF-style: chr1-160123326-G-T. GRCh37 (hg19) VCF-style: chr1-160093116-G-T.
Identifiers: ClinVar variation 509227 (VCV000509227.11), dbSNP rs759566498, ClinGen allele CA1194151.

ClinVar aggregate classification (germline): Likely benign. Review status: criteria provided, multiple submitters, no conflicts (2 of 4 stars). 2 submissions from 2 submitters: Likely benign (2). Last evaluated 2023-12-30.

Conditions:
Familial hemiplegic migraine. Identifiers: MedGen C0338484, MONDO:0000700.

Allele frequency attached by ClinVar (database versions not stated): gnomAD 0.00001; TOPMed 0.00002.
gnomAD v4.1: 11 of 1,614,080 alleles (0.00068%); highest among the groups gnomAD compares: African/African-American, 0.0053%; no homozygotes.

Submissions (2):

Labcorp Genetics (formerly Invitae), Labcorp
Classification: Likely benign for Familial hemiplegic migraine. Last evaluated: 2023-12-30. Review status: criteria provided, single submitter. Criteria: Invitae Variant Classification Sherloc (09022015). Collection method: clinical testing. Allele origin: germline.

GeneDx
Classification: Likely benign. Last evaluated: 2017-04-26. Review status: criteria provided, single submitter. Criteria: GeneDx Variant Classification (06012015). Collection method: clinical testing. Allele origin: germline. Affected: yes.
Comment: This variant is considered likely benign or benign based on one or more of the following criteria: it is a conservative change, it occurs at a poorly conserved position in the protein, it is predicted to be benign by multiple in silico algorithms, and/or has population frequency not consistent with disease.